The following is an entry in ClinVar:

NC_000003.11:g.(?_184087711)_(184090737_?)del

Gene: THPO (thrombopoietin; minus strand). Cytogenetic location: 3q27.1.
Variant type: Deletion.
Identifiers: ClinVar variation 1510762 (VCV001510762.5).

ClinVar aggregate classification (germline): Uncertain significance (1 of 4 stars; one submission).

Submission:

Labcorp Genetics (formerly Invitae), Labcorp
Classification: Uncertain significance. Last evaluated: 2023-08-31. Review status: criteria provided, single submitter. Criteria: Invitae Variant Classification Sherloc (09022015). Collection method: clinical testing. Allele origin: germline.
Comment: In summary, the available evidence is currently insufficient to determine the role of this variant in disease. Therefore, it has been classified as a Variant of Uncertain Significance. Experimental studies and prediction algorithms are not available or were not evaluated, and the functional significance of this variant is currently unknown. This variant has not been reported in the literature in individuals affected with THPO-related conditions. This variant results in the deletion of part of exon 6 (c.626_*2590del) of the THPO gene. While this deletion is not anticipated to lead to nonsense mediated decay, it is expected to alter mRNA translation or result in a truncated protein product.